The following is an entry in ClinVar:

NM_018972.4(GDAP1):c.1063C>A (p.Pro355Thr)

Gene: GDAP1 (ganglioside induced differentiation associated protein 1; plus strand). Cytogenetic location: 8q21.11.
Variant type: single nucleotide variant.
Coding change: c.1063C>A on transcript NM_018972.4 (MANE Select); coding-DNA position 1063, C replaced by A.
Protein change: p.Pro355Thr; replaces proline 355 with threonine.
Molecular consequence: missense variant. On other transcripts: intron variant (1).
Genome position (GRCh38, 1-based): chr8:74,364,353, C>A. VCF-style: chr8-74364353-C-A. GRCh37 (hg19) VCF-style: chr8-75276588-C-A.
Other names: c.859C>A, p.Pro287Thr (NM_001040875.4); c.736C>A, p.Pro246Thr (NM_001362929.2, NM_001362932.2); c.889C>A, p.Pro297Thr (NM_001362930.2); c.694+1300C>A (NM_001362931.2); short protein forms P246T, P297T, P355T, P287T.
Identifiers: ClinVar variation 1036488 (VCV001036488.8), dbSNP rs1219244427, ClinGen allele CA371550866.

ClinVar aggregate classification (germline): Uncertain significance (1 of 4 stars; one submission).

Conditions:
Charcot-Marie-Tooth disease type 4A. Also called: Charcot-Marie-Tooth disease, demyelinating, autosomal recessive, type 4a. Identifiers: Orphanet 99948, MedGen C1859198, MONDO:0008961, OMIM 214400.

Allele frequency attached by ClinVar (database versions not stated): TOPMed below 0.00001.

Submission:

Labcorp Genetics (formerly Invitae), Labcorp
Classification: Uncertain significance for Charcot-Marie-Tooth disease type 4A. Last evaluated: 2024-10-22. Review status: criteria provided, single submitter. Criteria: Invitae Variant Classification Sherloc (09022015). Collection method: clinical testing. Allele origin: germline.
Comment: This sequence change replaces proline, which is neutral and non-polar, with threonine, which is neutral and polar, at codon 355 of the GDAP1 protein (p.Pro355Thr). This variant is not present in population databases (gnomAD no frequency). This variant has not been reported in the literature in individuals affected with GDAP1-related conditions. ClinVar contains an entry for this variant (Variation ID: 1036488). Invitae Evidence Modeling of protein sequence and biophysical properties (such as structural, functional, and spatial information, amino acid conservation, physicochemical variation, residue mobility, and thermodynamic stability) indicates that this missense variant is expected to disrupt GDAP1 protein function with a positive predictive value of 95%. In summary, the available evidence is currently insufficient to determine the role of this variant in disease. Therefore, it has been classified as a Variant of Uncertain Significance.